The following is an entry in ClinVar:

ClinVar aggregate classification (germline): Pathogenic (1 of 4 stars; one submission).

Conditions:
Early-infantile DEE. Also called: Ohtahara syndrome; Early infantile epileptic encephalopathy with suppression bursts; Early infantile epileptic encephalopathy. Identifiers: Orphanet 1934, MedGen C0393706, MONDO:0800491.

Submission:

Labcorp Genetics (formerly Invitae), Labcorp
Classification: Pathogenic for Early-infantile DEE. Last evaluated: 2022-06-01. Review status: criteria provided, single submitter. Criteria: Invitae Variant Classification Sherloc (09022015). Collection method: clinical testing. Allele origin: germline.
Comment: This sequence change creates a premature translational stop signal (p.Ile254Hisfs*3) in the GNAO1 gene. It is expected to result in an absent or disrupted protein product. Loss-of-function variants in GNAO1 are known to be pathogenic (PMID: 28747448). This variant is not present in population databases (gnomAD no frequency). This premature translational stop signal has been observed in individual(s) with clinical features of GNAO1-related conditions (Invitae). ClinVar contains an entry for this variant (Variation ID: 1016767). For these reasons, this variant has been classified as Pathogenic.

Literature cited by the submitters: PubMed 28747448.

NM_020988.3(GNAO1):c.759dup (p.Ile254fs)

Gene: GNAO1 (G protein subunit alpha o1; plus strand). Cytogenetic location: 16q13.
Variant type: Duplication.
Coding change: c.759dup on transcript NM_020988.3 (MANE Select); coding-DNA position 759, one base duplicated (C; older notation c.759dupC).
Protein change: p.Ile254fs; shifts the reading frame from isoleucine 254.
Molecular consequence: frameshift variant.
Genome position (GRCh38, 1-based): chr16:56,351,419, C duplicated; the last of 2 consecutive C bases (chr16:56,351,418-56,351,419); duplicating either gives the same sequence. VCF-style (leftmost placement, unchanged base first): chr16-56351417-T-TC. GRCh37 (hg19) VCF-style: chr16-56385329-T-TC.
Other names: short protein forms I254fs.
Identifiers: ClinVar variation 1016767 (VCV001016767.9), dbSNP rs2037920369, ClinGen allele CA2224108737.